The following is an entry in ClinVar:

ClinVar aggregate classification (germline): Uncertain significance. Review status: criteria provided, multiple submitters, no conflicts (2 of 4 stars). 2 submissions from 2 submitters: Uncertain significance (2). Last evaluated 2023-12-11.

Conditions:
Primary ciliary dyskinesia. Also called: Ciliary dyskinesia. Identifiers: Orphanet 244, MedGen C0008780, MONDO:0016575, HP:0012265.

Allele frequency attached by ClinVar (database versions not stated): ExAC 0.00001; gnomAD 0.00001; gnomAD exomes 0.00001; TOPMed 0.00001; 1000 Genomes Project 30x 0.00016; 1000 Genomes Project 0.00020.
gnomAD v4.1: 5 of 1,614,080 alleles (0.00031%); highest among the groups gnomAD compares: Admixed American, 0.0083%; no homozygotes.

Submissions (2):

Labcorp Genetics (formerly Invitae), Labcorp
Classification: Uncertain significance for Primary ciliary dyskinesia. Last evaluated: 2023-12-11. Review status: criteria provided, single submitter. Criteria: Invitae Variant Classification Sherloc (09022015). Collection method: clinical testing. Allele origin: germline.
Comment: This sequence change replaces histidine, which is basic and polar, with arginine, which is basic and polar, at codon 578 of the CCDC114 protein (p.His578Arg). This variant is present in population databases (rs550620006, gnomAD 0.003%). This variant has not been reported in the literature in individuals affected with CCDC114-related conditions. ClinVar contains an entry for this variant (Variation ID: 2051366). An algorithm developed to predict the effect of missense changes on protein structure and function (PolyPhen-2) suggests that this variant¬†is likely to be tolerated. In summary, the available evidence is currently insufficient to determine the role of this variant in disease. Therefore, it has been classified as a Variant of Uncertain Significance.

Ambry Genetics
Classification: Uncertain significance for Primary ciliary dyskinesia. Last evaluated: 2022-10-04. Review status: criteria provided, single submitter. Criteria: Ambry Variant Classification Scheme 2023. Collection method: clinical testing. Allele origin: germline.

NM_001364171.2(ODAD1):c.1844A>G (p.His615Arg)

Gene: ODAD1 (outer dynein arm docking complex subunit 1; minus strand). Cytogenetic location: 19q13.33.
Variant type: single nucleotide variant.
Coding change: c.1844A>G on transcript NM_001364171.2 (MANE Select); coding-DNA position 1844, A replaced by G.
Protein change: p.His615Arg; replaces histidine 615 with arginine.
Molecular consequence: missense variant.
Genome position (GRCh38, 1-based): chr19:48,297,256, T>C on the plus strand (A>G on the coding strand, the complement: ODAD1 is on the minus strand). VCF-style: chr19-48297256-T-C. GRCh37 (hg19) VCF-style: chr19-48800513-T-C.
Other names: c.1733A>G, p.His578Arg (NM_144577.4); short protein forms H578R, H615R.
Identifiers: ClinVar variation 2051366 (VCV002051366.3), dbSNP rs550620006, ClinGen allele CA9548550.